The following is an entry in ClinVar:

ClinVar aggregate classification (germline): Pathogenic. Review status: criteria provided, multiple submitters, no conflicts (2 of 4 stars). 4 submissions from 4 submitters: Pathogenic (3). 1 of the submissions does not count toward it. Last evaluated 2023-07-25.

Conditions:
Methylmalonic aciduria due to methylmalonyl-CoA mutase deficiency (MAMM). Also called: Methylmalonic aciduria, mut type. Identifiers: Orphanet 27, MedGen C1855114, MONDO:0009612, OMIM 251000.

Submissions (4):

3billion
Classification: Pathogenic for Methylmalonic aciduria due to methylmalonyl-CoA mutase deficiency. Last evaluated: 2023-07-25. Review status: criteria provided, single submitter. Criteria: ACMG Guidelines, 2015. Collection method: clinical testing. Allele origin: germline. Affected: yes.
Comment: The variant is not observed in the gnomAD v2.1.1 dataset. Predicted Consequence/Location: Stop-gained (nonsense): predicted to result in a loss or disruption of normal protein function through nonsense-mediated decay (NMD) or protein truncation. Multiple pathogenic variants are reported downstream of the variant. The variant has been reported to be associated with MMUT-related disorder (PMID: 26270765). Therefore, this variant is classified as Pathogenic according to the recommendation of ACMG/AMP guideline.

Fulgent Genetics
Classification: Pathogenic for Methylmalonic aciduria due to methylmalonyl-CoA mutase deficiency. Last evaluated: 2018-10-31. Review status: criteria provided, single submitter. Criteria: ACMG Guidelines, 2015. Collection method: clinical testing. Allele origin: unknown.

University Children's Hospital, University of Zurich
Classification: Pathogenic for Methylmalonic aciduria due to methylmalonyl-CoA mutase deficiency. Review status: criteria provided, single submitter. Criteria: Forny et al. (Hum Mutat. 2016). Collection method: clinical testing. Allele origin: germline. Inheritance: Autosomal recessive inheritance. Affected: yes.

Counsyl
Classification: Pathogenic for Methylmalonic aciduria due to methylmalonyl-CoA mutase deficiency. Last evaluated: 2017-04-28. Review status: no assertion criteria provided. Collection method: clinical testing. Allele origin: unknown. Not counted in ClinVar's aggregate classification.

Literature cited by the submitters: PubMed 26270765 (cited by 3billion and Counsyl); PubMed 25736335 (cited by University Children's Hospital, University of Zurich); PubMed 27167370 (cited by Counsyl).

NM_000255.4(MMUT):c.693C>G (p.Tyr231Ter)

Gene: MMUT (methylmalonyl-CoA mutase; minus strand). Cytogenetic location: 6p12.3.
Variant type: single nucleotide variant.
Coding change: c.693C>G on transcript NM_000255.4 (MANE Select); coding-DNA position 693, C replaced by G.
Protein change: p.Tyr231Ter; replaces tyrosine 231 with a stop codon.
Molecular consequence: nonsense.
Genome position (GRCh38, 1-based): chr6:49,457,751, G>C on the plus strand (C>G on the coding strand, the complement: MMUT is on the minus strand). VCF-style: chr6-49457751-G-C. GRCh37 (hg19) VCF-style: chr6-49425464-G-C.
Other names: short protein forms Y231*.
Identifiers: ClinVar variation 222920 (VCV000222920.5), dbSNP rs879253834, ClinGen allele CA10575877.